The following is an entry in ClinVar:

ClinVar aggregate classification (germline): Benign. Review status: criteria provided, single submitter (1 of 4 stars). 2 submissions from 2 submitters: Benign (1). 1 of the submissions does not count toward it. Last evaluated 2022-05-01.

Conditions:
CTTNBP2-related disorder. Also called: CTTNBP2-related condition.

Allele frequency attached by ClinVar (database versions not stated): 1000 Genomes Project 30x 0.00125; 1000 Genomes Project 0.00140; TOPMed 0.00283; ESP Exome Variant Server 0.00369; gnomAD 0.00478; ExAC 0.00545; gnomAD exomes 0.00546.
gnomAD v4.1: 8,601 of 1,611,120 alleles (0.53%); highest among the groups gnomAD compares: Non-Finnish European, 0.55%; 52 homozygotes.

Submissions (2):

CeGaT Center for Human Genetics Tuebingen
Classification: Benign. Last evaluated: 2022-05-01. Review status: criteria provided, single submitter. Criteria: CeGaT Center For Human Genetics Tuebingen Variant Classification Criteria Version 2. Collection method: clinical testing. Allele origin: germline. Affected: yes. Observed: 1 variant allele.
Comment: CTTNBP2: BP4, BS1, BS2

PreventionGenetics, part of Exact Sciences
Classification: Benign for CTTNBP2-related condition. Last evaluated: 2021-07-01. Review status: no assertion criteria provided. Collection method: clinical testing. Allele origin: germline. Not counted in ClinVar's aggregate classification.
Comment: This variant is classified as benign based on ACMG/AMP sequence variant interpretation guidelines (Richards et al. 2015 PMID: 25741868, with internal and published modifications).

NM_033427.3(CTTNBP2):c.4757C>T (p.Pro1586Leu)

Gene: CTTNBP2 (cortactin binding protein 2; minus strand). Cytogenetic location: 7q31.31.
Variant type: single nucleotide variant.
Coding change: c.4757C>T on transcript NM_033427.3 (MANE Select); coding-DNA position 4757, C replaced by T.
Protein change: p.Pro1586Leu; replaces proline 1586 with leucine.
Molecular consequence: missense variant.
Genome position (GRCh38, 1-based): chr7:117,711,772, G>A on the plus strand (C>T on the coding strand, the complement: CTTNBP2 is on the minus strand). VCF-style: chr7-117711772-G-A. GRCh37 (hg19) VCF-style: chr7-117351826-G-A.
Other names: c.4757C>T (NM_033427.2); c.4703C>T, p.Pro1568Leu (NM_001363349.1); c.2660C>T, p.Pro887Leu (NM_001363350.1, NM_001363351.1); short protein forms P1568L, P1586L, P887L.
Identifiers: ClinVar variation 2657962 (VCV002657962.25), dbSNP rs150547726, ClinGen allele CA4451766.